The following is an entry in ClinVar:

ClinVar aggregate classification (germline): Uncertain significance (1 of 4 stars; one submission).

Conditions:
Developmental and epileptic encephalopathy, 54. Also called: Epileptic encephalopathy, early infantile, 54; HNRNPU-Related Neurodevelopmental Disorder. Identifiers: MedGen C4479319, MONDO:0033363, OMIM 617391.

Submission:

Labcorp Genetics (formerly Invitae), Labcorp
Classification: Uncertain significance for Developmental and epileptic encephalopathy, 54. Last evaluated: 2022-04-08. Review status: criteria provided, single submitter. Criteria: Invitae Variant Classification Sherloc (09022015). Collection method: clinical testing. Allele origin: germline.
Comment: This sequence change replaces glycine, which is neutral and non-polar, with glutamic acid, which is acidic and polar, at codon 425 of the HNRNPU protein (p.Gly425Glu). This variant is not present in population databases (gnomAD no frequency). This variant has not been reported in the literature in individuals affected with HNRNPU-related conditions. Algorithms developed to predict the effect of missense changes on protein structure and function are either unavailable or do not agree on the potential impact of this missense change (SIFT: "Deleterious"; PolyPhen-2: "Not Available"; Align-GVGD: "Class C65"). In summary, the available evidence is currently insufficient to determine the role of this variant in disease. Therefore, it has been classified as a Variant of Uncertain Significance.

NM_031844.3(HNRNPU):c.1274G>A (p.Gly425Glu)

Gene: HNRNPU (heterogeneous nuclear ribonucleoprotein U; minus strand). Cytogenetic location: 1q44.
Variant type: single nucleotide variant.
Coding change: c.1274G>A on transcript NM_031844.3 (MANE Select); coding-DNA position 1274, G replaced by A.
Protein change: p.Gly425Glu; replaces glycine 425 with glutamic acid.
Molecular consequence: missense variant.
Genome position (GRCh38, 1-based): chr1:244,858,231, C>T on the plus strand (G>A on the coding strand, the complement: HNRNPU is on the minus strand). VCF-style: chr1-244858231-C-T. GRCh37 (hg19) VCF-style: chr1-245021533-C-T.
Other names: c.1217G>A, p.Gly406Glu (NM_004501.3); short protein forms G406E, G425E.
Identifiers: ClinVar variation 2122868 (VCV002122868.4), dbSNP rs199596170, ClinGen allele CA345491991.
Genomic context (GRCh38, chr1:244,858,231, plus strand): 5'-AACAGTGGCCGTCCAGCAAGAACTTCCTTACTGATTTTGAAGGCAACGCCAAGATCTTGT[C>T]CATTCTTAGCATACGAGAGTTCTACTTCATCACTTTCAAAGTTCTGTTACACAGAAAAAA-3'
Protein context (NP_114032.2, residues 415-435): DEVELSYAKN[Gly425Glu]QDLGVAFKIS